The following is an entry in ClinVar:

ClinVar aggregate classification (germline): Uncertain significance (1 of 4 stars; one submission).

gnomAD v4.1: 2 of 1,613,926 alleles (0.00012%); highest among the groups gnomAD compares: Admixed American, 0.0017%; no homozygotes.

Submission:

GeneDx
Classification: Uncertain significance. Last evaluated: 2024-09-30. Review status: criteria provided, single submitter. Criteria: GeneDx Variant Classification Process June 2021. Collection method: clinical testing. Allele origin: germline. Affected: yes.
Comment: Not observed at significant frequency in large population cohorts (gnomAD); In silico analysis indicates that this missense variant does not alter protein structure/function; Has not been previously published as pathogenic or benign to our knowledge

NM_005271.5(GLUD1):c.982A>G (p.Ile328Val)

Gene: GLUD1 (glutamate dehydrogenase 1; minus strand). Cytogenetic location: 10q23.2.
Variant type: single nucleotide variant.
Coding change: c.982A>G on transcript NM_005271.5 (MANE Select); coding-DNA position 982, A replaced by G.
Protein change: p.Ile328Val; replaces isoleucine 328 with valine.
Molecular consequence: missense variant.
Genome position (GRCh38, 1-based): chr10:87,060,992, T>C on the plus strand (A>G on the coding strand, the complement: GLUD1 is on the minus strand). VCF-style: chr10-87060992-T-C. GRCh37 (hg19) VCF-style: chr10-88820749-T-C.
Other names: c.583A>G, p.Ile195Val (NM_001318900.1); c.481A>G, p.Ile161Val (NM_001318901.1, NM_001318902.1, NM_001318904.2 and 2 more transcripts); short protein forms I161V, I195V, I328V.
Identifiers: ClinVar variation 3774896 (VCV003774896.1).